The following is an entry in ClinVar:

NM_001009944.3(PKD1):c.9396A>C (p.Ser3132=)

Gene: PKD1 (polycystin 1, transient receptor potential channel interacting; minus strand). Cytogenetic location: 16p13.3.
Variant type: single nucleotide variant.
Coding change: c.9396A>C on transcript NM_001009944.3 (MANE Select); coding-DNA position 9396, A replaced by C.
Protein change: p.Ser3132=; no amino-acid change (serine 3132 retained).
Molecular consequence: synonymous variant.
Genome position (GRCh38, 1-based): chr16:2,102,062, T>G on the plus strand (A>C on the coding strand, the complement: PKD1 is on the minus strand). VCF-style: chr16-2102062-T-G. GRCh37 (hg19) VCF-style: chr16-2152063-T-G.
Other names: c.9396A>C, p.Ser3132= (NM_000296.4).
Identifiers: ClinVar variation 4277245 (VCV004277245.1).

ClinVar aggregate classification (germline): Uncertain significance (1 of 4 stars; one submission).

Conditions:
Polycystic kidney disease, adult type (PKD1). Also called: POLYCYSTIC KIDNEY DISEASE, ADULT, TYPE I; POLYCYSTIC KIDNEY DISEASE 1 WITH OR WITHOUT POLYCYSTIC LIVER DISEASE; Polycystic Kidney Disease 1, Autosomal Dominant; Polycystic kidney disease 1; Polycystic kidney disease 1, severe; Polycystic Kidney, Autosomal Dominant. Identifiers: MedGen C3149841, MONDO:0008263, OMIM 173900.

Submission:

MVZ Medizinische Genetik Mainz
Classification: Uncertain significance for Polycystic kidney disease, adult type. Last evaluated: 2025-08-21. Review status: criteria provided, single submitter. Criteria: UK Practice Guidelines For Variant Classification V4 01 2020. Collection method: clinical testing. Allele origin: germline. Inheritance: Autosomal dominant inheritance. Affected: yes. Observed: 1 variant allele.
Comment: ACMG Criteria: PS1_MOD,PM2_SUP,PP3,PP4